The following is an entry in ClinVar:

ClinVar aggregate classification (germline): Likely benign (1 of 4 stars; one submission).

Conditions:
Familial cancer of breast. Also called: Hereditary breast cancer; hereditary breast carcinoma; BREAST CANCER, FAMILIAL. Identifiers: Orphanet 227535, MedGen C0346153, MONDO:0016419, OMIM 114480. Disease mechanism: loss of function.

Submission:

Myriad Genetics, Inc.
Classification: Likely benign for Familial cancer of breast. Last evaluated: 2025-01-21. Review status: criteria provided, single submitter. Criteria: Myriad Autosomal Dominant, Autosomal Recessive and X-Linked Classification Criteria (2023). Collection method: clinical testing. Allele origin: unknown.
Comment: This variant is considered likely benign. This variant is intronic and is not expected to impact mRNA splicing.

NM_024675.4(PALB2):c.3113+9_3113+15delinsG

Gene: PALB2 (partner and localizer of BRCA2; minus strand). Cytogenetic location: 16p12.2.
Variant type: Indel.
Coding change: c.3113+9_3113+15delinsG on transcript NM_024675.4 (MANE Select); bases 9 to 15 of the intron after coding-DNA position 3113, TCCCTCT replaced by G.
Molecular consequence: intron variant.
Genome position (GRCh38, 1-based): chr16:23,621,347-23,621,353, AGAGGGA replaced by C on the plus strand (TCCCTCT replaced by G on the coding strand, the reverse complement: PALB2 is on the minus strand). VCF-style: chr16-23621347-AGAGGGA-C. GRCh37 (hg19) VCF-style: chr16-23632668-AGAGGGA-C.
Other names: c.2228+9_2228+15delinsG (NM_001407308.1, NM_001407306.1, NM_001407309.1 and 4 more transcripts); c.647+9_647+15delinsG (NM_001407314.1); c.1325+9_1325+15delinsG (NM_001407313.1, NM_001407312.1); c.3053+9_3053+15delinsG (NM_001407296.1); c.3041+9_3041+15delinsG (NM_001407297.1); c.2951+9_2951+15delinsG (NM_001407302.1, NM_001407298.1); c.2834+2656_2834+2662delinsG (NM_001407300.1); c.3113+9_3113+15delinsG (NM_001407299.1, NM_001407301.1); and 1 more.
Identifiers: ClinVar variation 3904350 (VCV003904350.1).
Genomic context (GRCh38, chr16:23,621,347, plus strand): 5'-CAACAACCCTGTAAAATTAGAGGTATATCCTCATACTACAGATGAGGGAACTGAGGACCT[AGAGGGA>C]AAGCTTACCAAATAACAATGTTGTTCATAATAGTAGTACCAAGCAGAGCTTCTTGCATCC-3'